The following is an entry in ClinVar:

ClinVar aggregate classification (germline): Uncertain significance (1 of 4 stars; one submission).

Allele frequency attached by ClinVar (database versions not stated): gnomAD exomes 0.00001; TOPMed 0.00001.

Submission:

Labcorp Genetics (formerly Invitae), Labcorp
Classification: Uncertain significance. Last evaluated: 2023-01-28. Review status: criteria provided, single submitter. Criteria: Invitae Variant Classification Sherloc (09022015). Collection method: clinical testing. Allele origin: germline.
Comment: In summary, the available evidence is currently insufficient to determine the role of this variant in disease. Therefore, it has been classified as a Variant of Uncertain Significance. Variants that disrupt the consensus splice site are a relatively common cause of aberrant splicing (PMID: 17576681, 9536098). Algorithms developed to predict the effect of sequence changes on RNA splicing suggest that this variant is not likely to affect RNA splicing. This variant has not been reported in the literature in individuals affected with ADCY5-related conditions. The frequency data for this variant in the population databases is considered unreliable, as metrics indicate poor data quality at this position in the gnomAD database. This sequence change falls in intron 8 of the ADCY5 gene. It does not directly change the encoded amino acid sequence of the ADCY5 protein. It affects a nucleotide within the consensus splice site.

Literature cited by the submitters: PubMed 17576681; PubMed 9536098.

NM_183357.3(ADCY5):c.2089-3T>C

Gene: ADCY5 (adenylate cyclase 5; minus strand). Cytogenetic location: 3q21.1.
Variant type: single nucleotide variant.
Coding change: c.2089-3T>C on transcript NM_183357.3 (MANE Select); 3 bases into the intron before coding-DNA position 2089, T replaced by C.
Molecular consequence: intron variant.
Genome position (GRCh38, 1-based): chr3:123,320,774, A>G on the plus strand (T>C on the coding strand, the complement: ADCY5 is on the minus strand). VCF-style: chr3-123320774-A-G. GRCh37 (hg19) VCF-style: chr3-123039621-A-G.
Other names: c.2089-3T>C (NM_001378259.1); c.1039-3T>C (NM_001199642.1).
Identifiers: ClinVar variation 2832614 (VCV002832614.3), dbSNP rs1377648932, ClinGen allele CA545685866.